The following is an entry in ClinVar:

ClinVar aggregate classification (germline): Pathogenic. Review status: reviewed by expert panel (3 of 4 stars). 8 submissions from 7 submitters: Pathogenic (1). 7 of the submissions do not count toward it. Last evaluated 2022-07-25.

Conditions:
MT-ND5-related disorder.
Primary Mitochondrial Disorders. Identifiers: MedGen CN381104.
MT-ND5-related disorders.
Leigh syndrome, mitochondrial. Identifiers: MedGen CN377802, MONDO:0970944, OMIM 500017.
MELAS syndrome (MELAS). Also called: Juvenile myopathy, encephalopathy, lactic acidosis, stroke. Identifiers: Orphanet 550, MedGen C0162671, MONDO:0010789, OMIM 540000.
Leber optic atrophy (LHON). Also called: Leber hereditary optic neuropathy; Leber's disease; Leber's optic atrophy; Optic Atrophy, Hereditary, Leber. Identifiers: Orphanet 104, MedGen C0917796, MONDO:0010788, OMIM 535000, HP:0001112.
Mitochondrial disease. Also called: Mitochondrial disorder; Mitochondrial disorders. Identifiers: Orphanet 68380, MedGen C0751651, MeSH D028361, MONDO:0044970.

Submissions (8):

ClinGen Mitochondrial Disease Nuclear and Mitochondrial  Variant Curation Expert Panel, ClinGen
Classification: Pathogenic for Mitochondrial disease. Last evaluated: 2022-07-25. Review status: reviewed by expert panel. Criteria: clingen mito disease acmg specifications v1-1. Collection method: curation. Allele origin: germline. Inheritance: Mitochondrial inheritance.
Comment: The m.13094T>C (p.V253A) variant in MT-ND5 has been reported in at least 25 individuals with primary mitochondrial disease from 18 families. Affected individuals had variable ages of onset (first months of life to childhood to 20s). Features included Leigh syndrome, MELAS, and LHON. Heteroplasmy levels were variable among tissues and affected individuals, however there are no reports of the variant being homoplasmic to our knowledge (PS4; PMIDs: 29506874, 29479304, 28429146, 23918514, 22577219, 20818383, 18977334). This variant segregated with disease in multiple families as healthy family members had lower to undetectable levels of the variant (PP1_moderate; PMIDs: 29506874, 29479304). This variant occurred de novo in at least two individuals (PM6_supporting, PMIDs: 23918514, 18977334). This variant is absent in population databases after removing sequences from individuals with mitochondrial disease (one occurrence in GenBank sequences is from an individual with mitochondrial disease; absent in gnomAD v3.1.2 and Helix dataset; PM2_supporting). Cybrid studies show two different classes of function defects (PS3_moderate): (1) complex I/CS activity ratio is highly correlated with the percentage of the variant and loss of ND5 is associated with instability of the membrane arm of Complex I (PMID: 18977334) and (2) autophagy, determined as LC3B-II/Actin levels, was significantly increased in mutant cybrids (PMID: 29479304). The computational predictor APOGEE gives a consensus rating of pathogenic with a score of 0.89 (Min=0, Max=1), which predicts a damaging effect on gene function (PP3). In summary, this variant meets criteria to be classified as pathogenic for primary mitochondrial disease inherited in a mitochondrial manner. This classification was approved by the NICHD/NINDS U24 Mitochondrial Disease Variant Curation Expert Panel on July 25, 2022. Mitochondrial DNA-specific ACMG/AMP criteria applied (PMID: 32906214): PM2_supporting, PP3, PP1_moderate, PS3_moderate, PM6_supporting, PS4.

Variantyx, Inc.
Classification: Likely pathogenic for MT-ND5-related disorders. Last evaluated: 2025-10-31. Review status: criteria provided, single submitter. Criteria: Variantyx Assertion Criteria 2022. Collection method: clinical testing. Allele origin: germline. Inheritance: Mitochondrial inheritance. Not counted in ClinVar's aggregate classification.
Comment: The m.13094T>C, c.758T>C, p.Val253Ala change is a nonsynonymous single nucleotide variant in the MT-ND5 gene. Pathogenic variants in this gene have been associated with primary mitochondrial disorders. It has been reported in several unrelated affected individuals (PMID: 29506874, 29479304, 28429146, 23918514, 22577219, 20818383, 18977334) (PS4) and it has been observed to segregate with disease in at least 4 individuals from 2 families; unaffected family members may have lower to undetectable levels of the variant (PMID: 29506874) (PP1). Functional studies show a deleterious effect for this variant (PMID: 18977334; 29479304) (PS3_Moderate) supported by computational algorithms (Aggregate Predicted Severity: 0.5) (PP3). This variant is absent from control populations (PM2_Supporting). Other reputable laboratories have reported this variant as pathogenic or likely pathogenic, and this classification has been validated by an expert panel in ClinVar (PP5). Based on the current evidence, this variant is classified as pathogenic for primary mitochondrial disorders.

Institute of Medical Genetics and Applied Genomics, University Hospital Tübingen
Classification: Pathogenic for Leigh syndrome, mitochondrial. Last evaluated: 2025-09-15. Review status: criteria provided, single submitter. Criteria: ACMG Guidelines, 2015. Collection method: clinical testing. Allele origin: de novo. Inheritance: Mitochondrial inheritance. Affected: yes. Not counted in ClinVar's aggregate classification.

Variantyx, Inc.
Classification: Pathogenic for Primary mitochondrial disorders. Last evaluated: 2025-08-29. Review status: criteria provided, single submitter. Criteria: Variantyx Assertion Criteria 2022. Collection method: clinical testing. Allele origin: germline. Not counted in ClinVar's aggregate classification.
Comment: The m.13094T>C, c.758T>C, p.Val253Ala change is a a nonsynonymous variant in the MT-ND5 gene. Pathogenic variants in this gene have been associated with primary mitochondrial disorders. This variant has been reported in several unrelated affected individuals (PMID: 29506874, 29479304, 28429146, 23918514, 22577219, 20818383, 18977334) (PS4) and it has been observed to segregate with disease in at least 4 individuals from 2 families. Unaffected family members may have lower to undetectable levels of the variant (PMID: 29506874) (PP1). Functional studies show a deleterious effect for this variant (PMID: 18977334, 29479304) (PS3_Moderate), conf0irmed by omputational algorithms (PP3). This variant is absent from control populations (PM2). Other reputable laboratories have reported this variant as pathogenic or likely pathogenic, and this classification has been validated by an expert panel in ClinVar (PP5). Based on the current evidence, this variant is classified as pathogenic for primary mitochondrial disorders.

3billion
Classification: Pathogenic for MT-ND5-related disorder. Last evaluated: 2025-06-20. Review status: criteria provided, single submitter. Criteria: ACMG Guidelines, 2015. Collection method: clinical testing. Allele origin: germline. Affected: yes. Not counted in ClinVar's aggregate classification.
Comment: The variant is not observed in the gnomAD v4.1.0 dataset. Predicted Consequence/Location: Mitochondrial variant Functional studies provide moderate evidence of the variant having a damaging effect on the gene or gene product (PMID: 18977334, 22249460). In silico tool predictions suggest damaging effect of the variant on gene or gene product [APOGEE2: 0.91 (>= 0.716)]. Therefore, this variant is classified as Pathogenic according to the recommendation of ACMG/AMP guideline.

Mendelics
Classification: Pathogenic for Leber optic atrophy. Last evaluated: 2022-05-04. Review status: criteria provided, single submitter. Criteria: Mendelics Assertion Criteria 2019. Collection method: clinical testing. Allele origin: germline. Not counted in ClinVar's aggregate classification.

HudsonAlpha Institute for Biotechnology
Classification: Pathogenic for MELAS syndrome. Last evaluated: 2022-03-17. Review status: criteria provided, single submitter. Criteria: ACMG Guidelines, 2015. Collection method: research. Allele origin: de novo. Affected: yes. Observed: 1 variant allele. Study: HudsonAlpha-AGHI-WGS. Not counted in ClinVar's aggregate classification.

Wong Mito Lab, Molecular and Human Genetics, Baylor College of Medicine
Classification: Pathogenic for MELAS syndrome. Last evaluated: 2019-10-17. Review status: criteria provided, single submitter. Criteria: Modified ACMG Guidelines (Unpublished). Collection method: clinical testing. Allele origin: germline. Not counted in ClinVar's aggregate classification.
Comment: The NC_012920.1:m.13094T>C (YP_003024036.1:p.Val253Ala) variant in MTND5 gene is interpretated to be a Pathogenic variant based on the modified ACMG guidelines (unpublished). This variant meets the following evidence codes: PS3, PM8, PM9, PP4, PP6

Literature cited by the submitters: PubMed 9506874 (cited by Variantyx, Inc.); PubMed 29479304 (cited by Variantyx, Inc.); PubMed 28429146 (cited by Variantyx, Inc.); PubMed 23918514 (cited by Variantyx, Inc.); PubMed 22577219 (cited by Variantyx, Inc. and Wong Mito Lab, Molecular and Human Genetics, Baylor College of Medicine); PubMed 20818383 (cited by Variantyx, Inc.); PubMed 18977334 (cited by 3 submitters); PubMed 22249460 (cited by 3billion and Wong Mito Lab, Molecular and Human Genetics, Baylor College of Medicine).

NC_012920.1(MT-ND5):m.13094T>C

Gene: MT-ND5 (mitochondrially encoded NADH dehydrogenase 5; plus strand).
Variant type: single nucleotide variant.
Genome position: chrM-13094-T-C.
Identifiers: ClinVar variation 693516 (VCV000693516.7), dbSNP rs1603224029, ClinGen allele CA414816540.
Genomic context (GRCh38, chrMT:13,094, plus strand): 5'-TCCCCTCAGCCATAGAAGGCCCCACCCCAGTCTCAGCCCTACTCCACTCAAGCACTATAG[T>C]TGTAGCAGGAATCTTCTTACTCATCCGCTTCCACCCCCTAGCAGAAAATAGCCCACTAAT-3'